The following is an entry in ClinVar:

ClinVar aggregate classification (germline): Benign. Review status: criteria provided, multiple submitters, no conflicts (2 of 4 stars). 2 submissions from 2 submitters: Benign (2). Last evaluated 2026-02-04.

Conditions:
Primary immunodeficiency with natural-killer cell deficiency and adrenal insufficiency (IMD54). Also called: IMMUNODEFICIENCY 54; Natural killer cell and glucocorticoid deficiency with DNA repair defect. Identifiers: Orphanet 75391, MedGen C1864947, MONDO:0012383, OMIM 609981.

Allele frequency attached by ClinVar (database versions not stated): ESP Exome Variant Server 0.00031; gnomAD exomes 0.00305 and 0.00994; gnomAD 0.00339 and 0.00482; TOPMed 0.00542; ExAC 0.00951; 1000 Genomes Project 30x 0.02233; 1000 Genomes Project 0.02416.
gnomAD v4.1: 5,423 of 1,613,306 alleles (0.34%); highest among the groups gnomAD compares: East Asian, 10%; 283 homozygotes.

Submissions (2):

Labcorp Genetics (formerly Invitae), Labcorp
Classification: Benign. Last evaluated: 2026-02-04. Review status: criteria provided, single submitter. Criteria: Invitae Variant Classification Sherloc (09022015). Collection method: clinical testing. Allele origin: germline.

Illumina Laboratory Services, Illumina
Classification: Benign for Primary immunodeficiency with natural-killer cell deficiency and adrenal insufficiency. Last evaluated: 2018-01-13. Review status: criteria provided, single submitter. Criteria: ICSL Variant Classification Criteria 13 December 2019. Collection method: clinical testing. Allele origin: germline.
Comment: This variant was observed in the ICSL laboratory as part of a predisposition screen in an ostensibly healthy population. It had not been previously curated by ICSL or reported in the Human Gene Mutation Database (HGMD: prior to June 1st, 2018), and was therefore a candidate for classification through an automated scoring system. Utilizing variant allele frequency, disease prevalence and penetrance estimates, and inheritance mode, an automated score was calculated to assess if this variant is too frequent to cause the disease. Based on the score and internal cut-off values, a variant classified as benign is not then subjected to further curation. The score for this variant resulted in a classification of benign for this disease.

NM_182746.3(MCM4):c.236-4A>G

Gene: MCM4 (minichromosome maintenance complex component 4; plus strand). Cytogenetic location: 8q11.21.
Variant type: single nucleotide variant.
Coding change: c.236-4A>G on transcript NM_182746.3 (MANE Select); 4 bases into the intron before coding-DNA position 236, A replaced by G.
Molecular consequence: intron variant.
Genome position (GRCh38, 1-based): chr8:47,962,049, A>G. VCF-style: chr8-47962049-A-G. GRCh37 (hg19) VCF-style: chr8-48874609-A-G.
Other names: c.236-4A>G (NM_005914.4, LRG_1239t1).
Identifiers: ClinVar variation 363215 (VCV000363215.15), dbSNP rs2305952, ClinGen allele CA4742237.